The following is an entry in ClinVar:

ClinVar aggregate classification (germline): Uncertain significance. Review status: criteria provided, multiple submitters, no conflicts (2 of 4 stars). 3 submissions from 3 submitters: Uncertain significance (3). Last evaluated 2025-06-02.

Conditions:
CASQ1-related disorder. Also called: CASQ1-related condition.
Myopathy due to calsequestrin and SERCA1 protein overload. Also called: Myopathy, vacuolar, with casq1 aggregates. Identifiers: Orphanet 88635, MedGen C4015624, MONDO:0014546, OMIM 616231.

Submissions (3):

Labcorp Genetics (formerly Invitae), Labcorp
Classification: Uncertain significance. Last evaluated: 2025-06-02. Review status: criteria provided, single submitter. Criteria: Invitae Variant Classification Sherloc (09022015). Collection method: clinical testing. Allele origin: germline.
Comment: This variant, c.751_753del, results in the deletion of 1 amino acid(s) of the CASQ1 protein (p.Glu251del), but otherwise preserves the integrity of the reading frame. This variant is present in population databases (rs557262712, gnomAD 0.002%). This variant has not been reported in the literature in individuals affected with CASQ1-related conditions. Experimental studies and prediction algorithms are not available or were not evaluated, and the functional significance of this variant is currently unknown. In summary, the available evidence is currently insufficient to determine the role of this variant in disease. Therefore, it has been classified as a Variant of Uncertain Significance.

PreventionGenetics, part of Exact Sciences
Classification: Uncertain significance for CASQ1-related condition. Last evaluated: 2023-03-22. Review status: criteria provided, single submitter. Criteria: ACMG Guidelines, 2015. Collection method: clinical testing. Allele origin: germline.
Comment: The CASQ1 c.751_753delGAG variant is predicted to result in an in-frame deletion (p.Glu251del). To our knowledge, this variant has not been reported in the literature. This variant is reported in 0.0018% of alleles in individuals of European (Non-Finnish) descent in gnomAD. At this time, the clinical significance of this variant is uncertain due to the absence of conclusive functional and genetic evidence.

Revvity Omics, Revvity
Classification: Uncertain significance for Myopathy due to calsequestrin and SERCA1 protein overload. Last evaluated: 2021-02-08. Review status: criteria provided, single submitter. Criteria: ACMG Guidelines, 2015. Collection method: clinical testing. Allele origin: germline.

NM_001231.5(CASQ1):c.748GAG[1] (p.Glu251del)

Gene: CASQ1 (calsequestrin 1; plus strand). Cytogenetic location: 1q23.2.
Variant type: Microsatellite.
Coding change: c.748GAG[1] on transcript NM_001231.5 (MANE Select); one copy of the 3-base unit GAG starting at c.748; the reference has two copies in a row; one copy, 3 bases deleted; also written c.751_753del.
Protein change: p.Glu251del; deletes glutamic acid 251.
Molecular consequence: inframe deletion.
Genome position (GRCh38, 1-based): chr1:160,195,996-160,195,998, GAG deleted; deleting any 3 consecutive bases within chr1:160,195,993-160,195,998 gives the same sequence; the position shown is the placement nearest the transcript's 3' end. VCF-style (leftmost placement, unchanged base first): chr1-160195992-AGAG-A. GRCh37 (hg19) VCF-style: chr1-160165782-AGAG-A.
Other names: c.751_753del (NM_001231.5); c.751_753delGAG (NM_001231.4); short protein forms E251del.
Identifiers: ClinVar variation 1365538 (VCV001365538.11), dbSNP rs557262712, ClinGen allele CA31498133.